The following is an entry in ClinVar:

NM_001148.6(ANK2):c.2377-143A>G

Gene: ANK2 (ankyrin 2; plus strand). Cytogenetic location: 4q26.
Variant type: single nucleotide variant.
Coding change: c.2377-143A>G on transcript NM_001148.6 (MANE Select); 143 bases into the intron before coding-DNA position 2377, A replaced by G.
Molecular consequence: intron variant. On other transcripts: missense variant (5), initiator codon variant (5).
Genome position (GRCh38, 1-based): chr4:113,293,297, A>G. VCF-style: chr4-113293297-A-G. GRCh37 (hg19) VCF-style: chr4-114214453-A-G.
Other names: c.1A>G, p.Met1Val (NM_001354278.2, NM_001354279.2, NM_001354280.2 and 2 more transcripts); c.2365-143A>G (NM_001386186.2, NM_001386148.2); c.2167-143A>G (NM_001354269.3); c.2341-143A>G (NM_001386187.2); c.2335-143A>G (NM_001386147.1, NM_001386160.1, NM_001354261.2); c.2314-143A>G (NM_001354254.2, NM_001354239.2, NM_001354252.2 and 10 more transcripts); c.2215-143A>G (NM_001354253.2, NM_001354270.2, NM_001354257.2 and 1 more transcripts); c.2290-143A>G (NM_001354249.2, NM_001354266.2, NM_001354276.2 and 10 more transcripts); and 9 more; short protein forms M1V.
Identifiers: ClinVar variation 2632743 (VCV002632743.1), dbSNP rs2497200195, ClinGen allele CA357919929.

ClinVar aggregate classification (germline): Uncertain significance (1 of 4 stars; one submission).

Conditions:
ANK2-related disorder. Also called: ANK2-related condition.

Allele frequency attached by ClinVar (database versions not stated): gnomAD exomes below 0.00001.
gnomAD v4.1: 3 of 755,838 alleles (0.0004%); highest among the groups gnomAD compares: Non-Finnish European, 0.00023%; no homozygotes.

Submission:

PreventionGenetics, part of Exact Sciences
Classification: Uncertain significance for ANK2-related condition. Last evaluated: 2023-05-18. Review status: criteria provided, single submitter. Criteria: ACMG Guidelines, 2015. Collection method: clinical testing. Allele origin: germline.
Comment: The ANK2 c.1A>G variant is predicted to disrupt the translation initiation site (p.Met1?). This variant resides in an alternatively spliced exon 1 (NM_001354282), within a transcript found to have low expression based on RNA sequencing. In the transcript utilized by HGMD, this variant is deep intronic (NM_001148.4:c.2377-143A>G). To our knowledge, this variant has not been reported in the literature or in a large population database, indicating this variant is rare. At this time, the clinical significance of this variant is uncertain due to the absence of conclusive functional and genetic evidence.